The following is an entry in ClinVar:

NM_017819.4(TRMT10C):c.990C>T (p.Asn330=)

Gene: TRMT10C (tRNA methyltransferase 10C, mitochondrial RNase P subunit; plus strand). Cytogenetic location: 3q12.3.
Variant type: single nucleotide variant.
Coding change: c.990C>T on transcript NM_017819.4 (MANE Select); coding-DNA position 990, C replaced by T.
Protein change: p.Asn330=; no amino-acid change (asparagine 330 retained).
Molecular consequence: synonymous variant.
Genome position (GRCh38, 1-based): chr3:101,565,771, C>T. VCF-style: chr3-101565771-C-T. GRCh37 (hg19) VCF-style: chr3-101284615-C-T.
Identifiers: ClinVar variation 3046855 (VCV003046855.7), dbSNP rs754546905, ClinGen allele CA79752024.
Genomic context (GRCh38, chr3:101,565,771, plus strand): 5'-GTCTTTTGTTGATAAGAGTATGCAGCCAGGCACATCCCTAGCCAAGGCAAAACGGCTGAA[C>T]CTGGCAACTGAATGCCTTCCATTAGATAAATATTTACAATGGGAAATTGGTAACAAAAAT-3'
Protein context (NP_060289.2, residues 320-340): GTSLAKAKRL[Asn330=]LATECLPLDK

ClinVar aggregate classification (germline): Likely benign. Review status: criteria provided, single submitter (1 of 4 stars). 2 submissions from 2 submitters: Likely benign (1). 1 of the submissions does not count toward it. Last evaluated 2025-12-01.

Conditions:
TRMT10C-related disorder. Also called: TRMT10C-related condition.

Allele frequency attached by ClinVar (database versions not stated): gnomAD 0.00001; TOPMed 0.00002.
gnomAD v4.1: 75 of 1,613,992 alleles (0.0046%); highest among the groups gnomAD compares: Non-Finnish European, 0.0062%; no homozygotes.

Submissions (2):

CeGaT Center for Human Genetics Tuebingen
Classification: Likely benign. Last evaluated: 2025-12-01. Review status: criteria provided, single submitter. Criteria: CeGaT Center For Human Genetics Tuebingen Variant Classification Criteria Version 2. Collection method: clinical testing. Allele origin: germline. Affected: yes. Observed: 1 variant allele.
Comment: TRMT10C: BP4, BP7

PreventionGenetics, part of Exact Sciences
Classification: Likely benign for TRMT10C-related condition. Last evaluated: 2020-03-23. Review status: no assertion criteria provided. Collection method: clinical testing. Allele origin: germline. Not counted in ClinVar's aggregate classification.
Comment: This variant is classified as likely benign based on ACMG/AMP sequence variant interpretation guidelines (Richards et al. 2015 PMID: 25741868, with internal and published modifications).